The following is an entry in ClinVar:

ClinVar aggregate classification (germline): Conflicting classifications of pathogenicity. Review status: criteria provided, conflicting classifications (1 of 4 stars). 4 submissions from 4 submitters: Likely pathogenic (3); Uncertain significance (1). Last evaluated 2025-12-09.

Conditions:
SCN1A-related disorder. Also called: SCN1A-related conditions; SCN1A-related condition; SCN1A-related disorders.

Submissions (4):

3billion
Classification: Likely pathogenic for SCN1A-related disorder. Last evaluated: 2025-12-09. Review status: criteria provided, single submitter. Criteria: ACMG Guidelines, 2015. Collection method: clinical testing. Allele origin: germline. Affected: yes.
Comment: The variant is not observed in the gnomAD v4.1.0 dataset. Predicted Consequence/Location: The variant is located in a mutational hot spot and/or well-established functional domain in which established pathogenic variants have been reported (N/A). In silico tool predictions suggest damaging effect of the variant on gene or gene product [REVEL: 0.74 (>=0.6, sensitivity 0.68 and specificity 0.92); 3Cnet: 0.99 (> 0.75, sensitivity 0.96 and precision 0.92)]. The same nucleotide change resulting in the same amino acid change has been previously reported to be associated with SCN1A-related disorder (PMID: 26633542). A different missense change at the same codon (p.Val250Glu) has been reported as pathogenic/likely pathogenic with strong evidence (ClinVar ID: VCV000444533). Therefore, this variant is classified as Likely pathogenic according to the recommendation of ACMG/AMP guideline.

Blueprint Genetics
Classification: Likely pathogenic for SCN1A-related disorders. Last evaluated: 2020-08-31. Review status: criteria provided, single submitter. Criteria: ACMG Guidelines, 2015. Collection method: clinical testing. Allele origin: germline. Affected: yes. Observed: 1 variant allele.

Revvity Omics, Revvity
Classification: Uncertain significance. Last evaluated: 2019-11-27. Review status: criteria provided, single submitter. Criteria: ACMG Guidelines, 2015. Collection method: clinical testing. Allele origin: germline.

GeneDx
Classification: Likely pathogenic. Last evaluated: 2012-10-04. Review status: criteria provided, single submitter. Criteria: GeneDx Variant Classification (06012015). Collection method: clinical testing. Allele origin: germline. Affected: yes.
Comment: p.Val250Ile (GTA>ATA):c.748 G>A in exon 6 of the SCN1A gene (NM_001165963.1) The Val250Ile missense change has not been published as a mutation, nor has it been reported as a benign polymorphism to our knowledge. The NHLBI ESP Exome Variant Project has not identified Val250Ile in approximately 6,500 individuals of European or African American ethnicity, indicating that it is not a common benign variant in these populations. The amino acid substitution is conservative as both Valine and Isoleucine are uncharged non-polar amino acid residues. However, Val250Ile alters a highly conserved position in the fifth segment of the first transmembrane domain in the SCN1A protein, and other missense mutations have been reported in this region of the protein in association with SCN1A-related disorders in an external mutation database. Some in silico algorithms predict Val250Ile may damage the structure/function of the protein, while another model predict it is not pathogenic. Therefore, based on the currently available information, Val250Ile is a strong candidate for a disease-causing mutation, although the possibility that it is a benign variant cannot be excluded. The variant has been observed de novo without verified parentage. The variant is found in EPILEPSY panel(s).

Literature cited by the submitters: PubMed 26633542 (cited by 3billion).

NM_001165963.4(SCN1A):c.748G>A (p.Val250Ile)

Gene: SCN1A (sodium voltage-gated channel alpha subunit 1; minus strand). Cytogenetic location: 2q24.3.
Variant type: single nucleotide variant.
Coding change: c.748G>A on transcript NM_001165963.4 (MANE Select); coding-DNA position 748, G replaced by A.
Protein change: p.Val250Ile; replaces valine 250 with isoleucine.
Molecular consequence: missense variant. On other transcripts: 5 prime UTR variant (1), non-coding transcript variant (1).
Genome position (GRCh38, 1-based): chr2:166,051,935, C>T on the plus strand (G>A on the coding strand, the complement: SCN1A is on the minus strand). VCF-style: chr2-166051935-C-T. GRCh37 (hg19) VCF-style: chr2-166908445-C-T.
Other names: p.V250I:GTA>ATA; c.748G>A, p.Val250Ile (NM_001165964.3, NM_001202435.3, NM_001353948.2 and 10 more transcripts); c.-1678G>A (NM_001353961.2); short protein forms V250I.
Identifiers: ClinVar variation 206746 (VCV000206746.7), dbSNP rs796052962, ClinGen allele CA317152.
Genomic context (GRCh38, chr2:166,051,935, plus strand): 5'-TGAACAGCTGCAGCCCAATTAGAGCAAATACGCTCAGACAGAACACAGTCAGGATCATTA[C>T]ATCTGAGAGCTTCTTCACAGACTGGATCAGGGCTCCCACAATGGTTTTCAGGCCTGAAAG-3'
Protein context (NP_001159435.1, residues 240-260): LIQSVKKLSD[Val250Ile]MILTVFCLSV